The following is an entry in ClinVar:

NM_000037.4(ANK1):c.1320G>A (p.Pro440=)

Gene: ANK1 (ankyrin 1; minus strand). Cytogenetic location: 8p11.21.
Variant type: single nucleotide variant.
Coding change: c.1320G>A on transcript NM_000037.4 (MANE Select); coding-DNA position 1320, G replaced by A.
Protein change: p.Pro440=; no amino-acid change (proline 440 retained).
Molecular consequence: synonymous variant.
Genome position (GRCh38, 1-based): chr8:41,717,037, C>T on the plus strand (G>A on the coding strand, the complement: ANK1 is on the minus strand). VCF-style: chr8-41717037-C-T. GRCh37 (hg19) VCF-style: chr8-41574555-C-T.
Other names: p.Pro440=; c.1419G>A, p.Pro473= (NM_001142446.2); c.1320G>A, p.Pro440= (NM_020475.3, NM_020476.3, NM_020477.3).
Identifiers: ClinVar variation 261289 (VCV000261289.30), dbSNP rs28533718, ClinGen allele CA4728651.

ClinVar aggregate classification (germline): Benign/Likely benign. Review status: criteria provided, multiple submitters, no conflicts (2 of 4 stars). 9 submissions from 8 submitters: Benign (6); Likely benign (3). Last evaluated 2026-02-01.

Conditions:
Spherocytosis. Identifiers: MedGen C0553720, HP:0004444.
Hereditary spherocytosis type 1. Also called: Spherocytosis type 1; ANK1-Related Spherocytosis. Identifiers: Orphanet 822, MedGen C2674218, MONDO:0008447, OMIM 182900.

Allele frequency attached by ClinVar (database versions not stated): gnomAD exomes 0.01545 and 0.02129; ExAC 0.02520; gnomAD 0.03689 and 0.03824; TOPMed 0.03771; ESP Exome Variant Server 0.03798; 1000 Genomes Project 0.04093; 1000 Genomes Project 30x 0.04185.
gnomAD v4.1: 28,350 of 1,614,124 alleles (1.8%); highest among the groups gnomAD compares: African/African-American, 9.1%; 515 homozygotes.

Submissions (9):

Labcorp Genetics (formerly Invitae), Labcorp
Classification: Benign. Last evaluated: 2026-02-01. Review status: criteria provided, single submitter. Criteria: Invitae Variant Classification Sherloc (09022015). Collection method: clinical testing. Allele origin: germline.

ARUP Laboratories, Molecular Genetics and Genomics, ARUP Laboratories
Classification: Benign for Hereditary spherocytosis type 1. Last evaluated: 2025-07-25. Review status: criteria provided, single submitter. Criteria: ARUP Molecular Germline Variant Investigation Process 2024. Collection method: clinical testing. Allele origin: germline.

Blueprint Genetics
Classification: Likely benign. Last evaluated: 2024-11-27. Review status: criteria provided, single submitter. Criteria: ACMG Guidelines, 2015. Collection method: clinical testing. Allele origin: germline.

Mayo Clinic Laboratories, Mayo Clinic
Classification: Benign. Last evaluated: 2022-06-09. Review status: criteria provided, single submitter. Criteria: ACMG Guidelines, 2015. Collection method: clinical testing. Allele origin: germline. Observed: 148 variant alleles.
Comment: BS1, BS2, BP4, BP7

Genome-Nilou Lab
Classification: Benign for Hereditary spherocytosis type 1. Last evaluated: 2021-12-05. Review status: criteria provided, single submitter. Criteria: ACMG Guidelines, 2015. Collection method: clinical testing. Allele origin: germline. Affected: no.

Illumina Laboratory Services, Illumina
Classification: Benign for Hereditary spherocytosis type 1. Last evaluated: 2018-01-12. Review status: criteria provided, single submitter. Criteria: ICSL Variant Classification Criteria 13 December 2019. Collection method: clinical testing. Allele origin: germline.
Comment: This variant was observed in the ICSL laboratory as part of a predisposition screen in an ostensibly healthy population. It had not been previously curated by ICSL or reported in the Human Gene Mutation Database (HGMD: prior to June 1st, 2018), and was therefore a candidate for classification through an automated scoring system. Utilizing variant allele frequency, disease prevalence and penetrance estimates, and inheritance mode, an automated score was calculated to assess if this variant is too frequent to cause the disease. Based on the score and internal cut-off values, a variant classified as benign is not then subjected to further curation. The score for this variant resulted in a classification of benign for this disease.

Illumina Laboratory Services, Illumina
Classification: Likely benign for Spherocytosis. Last evaluated: 2018-01-12. Review status: criteria provided, single submitter. Criteria: ICSL Variant Classification Criteria 13 December 2019. Collection method: clinical testing. Allele origin: germline.
Comment: This variant was observed in the ICSL laboratory as part of a predisposition screen in an ostensibly healthy population. It had not been previously curated by ICSL or reported in the Human Gene Mutation Database (HGMD: prior to June 1st, 2018), and was therefore a candidate for classification through an automated scoring system. Utilizing variant allele frequency, disease prevalence and penetrance estimates, and inheritance mode, an automated score was calculated to assess if this variant is too frequent to cause the disease. Based on the score and internal cut-off values, a variant classified as likely benign is not then subjected to further curation. The score for this variant resulted in a classification of likely benign for this disease.

Breakthrough Genomics
Classification: Likely benign. Review status: criteria provided, single submitter. Criteria: ACMG Guidelines, 2015. Collection method: not provided. Allele origin: germline. Inheritance: Autosomal dominant inheritance. Affected: yes.

PreventionGenetics, part of Exact Sciences
Classification: Benign. Review status: criteria provided, single submitter. Criteria: ACMG Guidelines, 2015. Collection method: clinical testing. Allele origin: germline.